The following is an entry in ClinVar:

NM_000022.4(ADA):c.815_818delinsCACCGT (p.Trp272fs)

Gene: ADA (adenosine deaminase; minus strand). Cytogenetic location: 20q13.12.
Variant type: Indel.
Coding change: c.815_818delinsCACCGT on transcript NM_000022.4 (MANE Select); coding-DNA positions 815 to 818, GGAA replaced by CACCGT.
Protein change: p.Trp272fs; shifts the reading frame from tryptophan 272.
Molecular consequence: frameshift variant.
Genome position (GRCh38, 1-based): chr20:44,622,615-44,622,618, TTCC replaced by ACGGTG on the plus strand (GGAA replaced by CACCGT on the coding strand, the reverse complement: ADA is on the minus strand). VCF-style: chr20-44622615-TTCC-ACGGTG. GRCh37 (hg19) VCF-style: chr20-43251256-TTCC-ACGGTG.
Other names: c.410_413delinsCACCGT, p.Trp137fs (NM_001322050.2); c.743_746delinsCACCGT, p.Trp248fs (NM_001322051.2); short protein forms W137fs, W248fs, W272fs.
Identifiers: ClinVar variation 5012355 (VCV005012355.1).

ClinVar aggregate classification (germline): Pathogenic (1 of 4 stars; one submission).

Conditions:
Severe combined immunodeficiency, autosomal recessive, T cell-negative, B cell-negative, NK cell-negative, due to adenosine deaminase deficiency. Also called: ADA-SCID; SCID DUE TO ADA DEFICIENCY; SCID DUE TO ADA DEFICIENCY, EARLY-ONSET; ADA deficiency; Adenosine deaminase deficient severe combined immunodeficiency; Severe combined immunodeficiency due to ADA deficiency. Identifiers: Orphanet 277, MedGen C0392607, MONDO:0007064, OMIM 102700.

Submission:

Myriad Genetics, Inc.
Classification: Pathogenic for Severe combined immunodeficiency, autosomal recessive, T cell-negative, B cell-negative, NK cell-negative, due to adenosine deaminase deficiency. Last evaluated: 2023-10-03. Review status: criteria provided, single submitter. Criteria: Myriad Autosomal Dominant, Autosomal Recessive and X-Linked Classification Criteria (2023). Collection method: clinical testing. Allele origin: unknown.
Comment: NM_000022.2(ADA):c.815_818del4ins6(W272Sfs*40) is expected to be pathogenic in the context of adenosine deaminase deficiency. This variant is predicted to lead to an abnormal or absent protein product due to the creation of a premature termination codon in ADA, a gene where loss-of-function variants are known to be pathogenic. Please note: this variant was assessed in the context of healthy population screening.